The following is an entry in ClinVar:

NM_004714.3(DYRK1B):c.1380T>C (p.Ser460=)

Gene: DYRK1B (dual specificity tyrosine phosphorylation regulated kinase 1B; minus strand). Cytogenetic location: 19q13.2.
Variant type: single nucleotide variant.
Coding change: c.1380T>C on transcript NM_004714.3 (MANE Select); coding-DNA position 1380, T replaced by C.
Protein change: p.Ser460=; no amino-acid change (serine 460 retained).
Molecular consequence: synonymous variant.
Genome position (GRCh38, 1-based): chr19:39,826,703, A>G on the plus strand (T>C on the coding strand, the complement: DYRK1B is on the minus strand). VCF-style: chr19-39826703-A-G. GRCh37 (hg19) VCF-style: chr19-40317343-A-G.
Other names: c.1260T>C, p.Ser420= (NM_006483.3); c.1296T>C, p.Ser432= (NM_006484.3).
Identifiers: ClinVar variation 3358379 (VCV003358379.1).
Genomic context (GRCh38, chr19:39,826,703, plus strand): 5'-GTACCCCATTTGGGCACCTGGGCACCCACCAGAACTGGAGATGGAGCTGGCGGTGCTGGA[A>G]GAGGGGCAGGTGTCGAGGGGCGCGGGCGAGGTGGAGGCACTGCTGCCTGCCGGGCCCGTG-3'
Protein context (NP_004705.1, residues 450-470): TSPAPLDTCP[Ser460=]SSTASSISSS

ClinVar aggregate classification (germline): Likely benign (0 of 4 stars; one submission).

Conditions:
DYRK1B-related disorder. Also called: DYRK1B-related condition.

gnomAD v4.1: 6 of 1,605,930 alleles (0.00037%); highest among the groups gnomAD compares: African/African-American, 0.0013%; no homozygotes.

Submission:

PreventionGenetics, part of Exact Sciences
Classification: Likely benign for DYRK1B-related condition. Last evaluated: 2024-06-19. Review status: no assertion criteria provided. Collection method: clinical testing. Allele origin: germline.
Comment: This variant is classified as likely benign based on ACMG/AMP sequence variant interpretation guidelines (Richards et al. 2015 PMID: 25741868, with internal and published modifications).